The following is an entry in ClinVar:

ClinVar aggregate classification (germline): Uncertain significance. Review status: criteria provided, multiple submitters, no conflicts (2 of 4 stars). 3 submissions from 3 submitters: Uncertain significance (3). Last evaluated 2025-01-21.

Conditions:
Inborn genetic diseases. Identifiers: MedGen C0950123, MeSH D030342.

Allele frequency attached by ClinVar (database versions not stated): gnomAD exomes below 0.00001; gnomAD 0.00001.
gnomAD v4.1: 10 of 1,605,054 alleles (0.00062%); highest among the groups gnomAD compares: African/African-American, 0.0067%; no homozygotes.

Submissions (3):

Ambry Genetics
Classification: Uncertain significance for Inborn genetic diseases. Last evaluated: 2025-01-21. Review status: criteria provided, single submitter. Criteria: Ambry Variant Classification Scheme 2023. Collection method: clinical testing. Allele origin: germline.

Labcorp Genetics (formerly Invitae), Labcorp
Classification: Uncertain significance. Last evaluated: 2024-11-05. Review status: criteria provided, single submitter. Criteria: Invitae Variant Classification Sherloc (09022015). Collection method: clinical testing. Allele origin: germline.
Comment: This sequence change replaces glutamine, which is neutral and polar, with arginine, which is basic and polar, at codon 38 of the CERKL protein (p.Gln38Arg). This variant is present in population databases (no rsID available, gnomAD 0.001%). This variant has not been reported in the literature in individuals affected with CERKL-related conditions. ClinVar contains an entry for this variant (Variation ID: 1433948). Invitae Evidence Modeling of protein sequence and biophysical properties (such as structural, functional, and spatial information, amino acid conservation, physicochemical variation, residue mobility, and thermodynamic stability) indicates that this missense variant is not expected to disrupt CERKL protein function with a negative predictive value of 95%. In summary, the available evidence is currently insufficient to determine the role of this variant in disease. Therefore, it has been classified as a Variant of Uncertain Significance.

Blueprint Genetics
Classification: Uncertain significance. Last evaluated: 2024-03-09. Review status: criteria provided, single submitter. Criteria: ACMG Guidelines, 2015. Collection method: clinical testing. Allele origin: germline.

NM_201548.5(CERKL):c.113A>G (p.Gln38Arg)

Gene: CERKL (CERK like autophagy regulator; minus strand). Cytogenetic location: 2q31.3.
Variant type: single nucleotide variant.
Coding change: c.113A>G on transcript NM_201548.5 (MANE Select); coding-DNA position 113, A replaced by G.
Protein change: p.Gln38Arg; replaces glutamine 38 with arginine.
Molecular consequence: missense variant. On other transcripts: non-coding transcript variant (2).
Genome position (GRCh38, 1-based): chr2:181,656,894, T>C on the plus strand (A>G on the coding strand, the complement: CERKL is on the minus strand). VCF-style: chr2-181656894-T-C. GRCh37 (hg19) VCF-style: chr2-182521621-T-C.
Other names: c.113A>G (NM_001030311.2); c.113A>G, p.Gln38Arg (NM_001030311.3, NM_001030312.3, NM_001030313.3 and 1 more transcripts); short protein forms Q38R.
Identifiers: ClinVar variation 1433948 (VCV001433948.10), dbSNP rs1315057851, ClinGen allele CA349744793.